The following is an entry in ClinVar:

ClinVar aggregate classification (germline): Uncertain significance (1 of 4 stars; one submission).

Submission:

GeneDx
Classification: Uncertain significance. Last evaluated: 2017-06-30. Review status: criteria provided, single submitter. Criteria: GeneDx Variant Classification (06012015). Collection method: clinical testing. Allele origin: germline. Affected: yes.
Comment: The N449X variant in the BOD1L1 gene has not been reported previously as a pathogenic variant nor as a benign variant, to our knowledge. This variant is predicted to cause loss of normal protein function either through protein truncation or nonsense-mediated mRNA decay. The N449X variant is not observed in large population cohorts (Lek et al., 2016; 1000 Genomes Consortium et al., 2015; Exome Variant Server). Based on currently available evidence, we interpret N449X as a variant of uncertain significance.

NM_148894.3(BOD1L1):c.1344_1345del (p.Gln448_Asn449insTer)

Gene: BOD1L1 (biorientation of chromosomes in cell division 1 like 1; minus strand). Cytogenetic location: 4p15.33.
Variant type: Deletion.
Coding change: c.1344_1345del on transcript NM_148894.3 (MANE Select); coding-DNA positions 1344 to 1345, 2 bases deleted (GA; older notation c.1344_1345delGA).
Protein change: p.Gln448_Asn449insTer.
Molecular consequence: frameshift variant.
Genome position (GRCh38, 1-based): chr4:13,611,080-13,611,081, TC deleted on the plus strand (GA on the coding strand, the reverse complement: BOD1L1 is on the minus strand); deleting any 2 consecutive bases within chr4:13,611,080-13,611,082 gives the same sequence; the c. name uses the placement nearest the transcript's 3' end. VCF-style (leftmost placement, unchanged base first): chr4-13611079-TTC-T. GRCh37 (hg19) VCF-style: chr4-13612703-TTC-T.
Identifiers: ClinVar variation 450389 (VCV000450389.2), dbSNP rs1553846707, ClinGen allele CA658657379.